The following is an entry in ClinVar:

ClinVar aggregate classification (germline): Uncertain significance. Review status: criteria provided, multiple submitters, no conflicts (2 of 4 stars). 2 submissions from 2 submitters: Uncertain significance (2). Last evaluated 2024-11-27.

Submissions (2):

Women's Health and Genetics/Laboratory Corporation of America, LabCorp
Classification: Uncertain significance. Last evaluated: 2024-11-27. Review status: criteria provided, single submitter. Criteria: LabCorp Variant Classification Summary - May 2015. Collection method: clinical testing. Allele origin: germline.
Comment: Variant summary: ATL1 c.680A>G (p.Tyr227Cys) results in a non-conservative amino acid change in the encoded protein sequence. Four of five in-silico tools predict a damaging effect of the variant on protein function. The variant was absent in 251262 control chromosomes. The available data on variant occurrences in the general population are insufficient to allow any conclusion about variant significance. To our knowledge, no occurrence of c.680A>G in individuals affected with Hereditary spastic paraplegia 3A and no experimental evidence demonstrating its impact on protein function have been reported. ClinVar contains an entry for this variant (Variation ID: 3368712). Based on the evidence outlined above, the variant was classified as uncertain significance.

GeneDx
Classification: Uncertain significance. Last evaluated: 2024-02-05. Review status: criteria provided, single submitter. Criteria: GeneDx Variant Classification Process June 2021. Collection method: clinical testing. Allele origin: germline. Affected: yes.
Comment: Not observed at significant frequency in large population cohorts (gnomAD); In silico analysis supports that this missense variant has a deleterious effect on protein structure/function; Has not been previously published as pathogenic or benign to our knowledge; This variant is associated with the following publications: (PMID: 23334294)

NM_015915.5(ATL1):c.680A>G (p.Tyr227Cys)

Gene: ATL1 (atlastin GTPase 1; plus strand). Cytogenetic location: 14q22.1.
Variant type: single nucleotide variant.
Coding change: c.680A>G on transcript NM_015915.5 (MANE Select); coding-DNA position 680, A replaced by G.
Protein change: p.Tyr227Cys; replaces tyrosine 227 with cysteine.
Molecular consequence: missense variant.
Genome position (GRCh38, 1-based): chr14:50,613,308, A>G. VCF-style: chr14-50613308-A-G. GRCh37 (hg19) VCF-style: chr14-51080026-A-G.
Other names: c.680A>G, p.Tyr227Cys (NM_001127713.1, NM_181598.4); short protein forms Y227C.
Identifiers: ClinVar variation 3368712 (VCV003368712.3).